The following is an entry in ClinVar:

ClinVar aggregate classification (germline): Uncertain significance (1 of 4 stars; one submission).

Conditions:
Charcot-Marie-Tooth disease axonal type 2O. Also called: CHARCOT-MARIE-TOOTH NEUROPATHY, AXONAL, TYPE 2O; CHARCOT-MARIE-TOOTH DISEASE, AXONAL, AUTOSOMAL DOMINANT, TYPE 2O; Charcot-Marie-Tooth Neuropathy Type 2O; Charcot-Marie-Tooth disease, axonal, type 20. Identifiers: Orphanet 284232, MedGen C3280220, MONDO:0013644, OMIM 614228.

Submission:

Labcorp Genetics (formerly Invitae), Labcorp
Classification: Uncertain significance for Charcot-Marie-Tooth disease axonal type 2O. Last evaluated: 2023-07-17. Review status: criteria provided, single submitter. Criteria: Invitae Variant Classification Sherloc (09022015). Collection method: clinical testing. Allele origin: germline.
Comment: In summary, the available evidence is currently insufficient to determine the role of this variant in disease. Therefore, it has been classified as a Variant of Uncertain Significance. Advanced modeling of protein sequence and biophysical properties (such as structural, functional, and spatial information, amino acid conservation, physicochemical variation, residue mobility, and thermodynamic stability) performed at Invitae indicates that this missense variant is not expected to disrupt DYNC1H1 protein function. ClinVar contains an entry for this variant (Variation ID: 1983234). This variant has not been reported in the literature in individuals affected with DYNC1H1-related conditions. This variant is not present in population databases (gnomAD no frequency). This sequence change replaces valine, which is neutral and non-polar, with methionine, which is neutral and non-polar, at codon 4219 of the DYNC1H1 protein (p.Val4219Met).

NM_001376.5(DYNC1H1):c.12655G>A (p.Val4219Met)

Gene: DYNC1H1 (dynein cytoplasmic 1 heavy chain 1; plus strand). Cytogenetic location: 14q32.31.
Variant type: single nucleotide variant.
Coding change: c.12655G>A on transcript NM_001376.5 (MANE Select); coding-DNA position 12655, G replaced by A.
Protein change: p.Val4219Met; replaces valine 4219 with methionine.
Molecular consequence: missense variant.
Genome position (GRCh38, 1-based): chr14:102,044,016, G>A. VCF-style: chr14-102044016-G-A. GRCh37 (hg19) VCF-style: chr14-102510353-G-A.
Other names: short protein forms V4219M.
Identifiers: ClinVar variation 1983234 (VCV001983234.4), dbSNP rs2503865896, ClinGen allele CA391042576.